The following is an entry in ClinVar:

NM_020366.4(RPGRIP1):c.564A>G (p.Glu188=)

Gene: RPGRIP1 (RPGR interacting protein 1; plus strand). Cytogenetic location: 14q11.2.
Variant type: single nucleotide variant.
Coding change: c.564A>G on transcript NM_020366.4 (MANE Select); coding-DNA position 564, A replaced by G.
Protein change: p.Glu188=; no amino-acid change (glutamic acid 188 retained).
Molecular consequence: synonymous variant.
Genome position (GRCh38, 1-based): chr14:21,302,561, A>G. VCF-style: chr14-21302561-A-G. GRCh37 (hg19) VCF-style: chr14-21770720-A-G.
Identifiers: ClinVar variation 427869 (VCV000427869.11), dbSNP rs574462207, ClinGen allele CA7088692.
Genomic context (GRCh38, chr14:21,302,561, plus strand): 5'-GCTGAGCTACACAGCCCCTCCATCGTTTAAGGAGCATGCGACAAATGAAAACAGAGGTGA[A>G]GTAGCCAGTAAACCCAGTGAACTGTGAGTTCTTCTCATTTATCCCATGTTGTTATTCCTG-3'
Protein context (NP_065099.3, residues 178-198): KEHATNENRG[Glu188=]VASKPSELVS

ClinVar aggregate classification (germline): Conflicting classifications of pathogenicity. Review status: criteria provided, conflicting classifications (1 of 4 stars). 4 submissions from 4 submitters: Likely pathogenic (1); Uncertain significance (2). 1 of the submissions does not count toward it. Last evaluated 2025-07-22.

Conditions:
RPGRIP1-related disorder. Also called: RPGRIP1-related condition.
Cone-rod dystrophy 13 (CORD13). Identifiers: Orphanet 1872, MedGen C2750720, MONDO:0011987, OMIM 608194.
Leber congenital amaurosis 6 (LCA6). Identifiers: Orphanet 65, MedGen C1854260, MONDO:0013446, OMIM 613826.
Leber congenital amaurosis (LCA). Also called: Leber's amaurosis. Identifiers: Orphanet 65, MedGen C0339527, MeSH D057130, MONDO:0018998.

Allele frequency attached by ClinVar (database versions not stated): gnomAD exomes below 0.00001; gnomAD 0.00001 and 0.00002; ExAC 0.00002; TOPMed 0.00002; 1000 Genomes Project 30x 0.00016; 1000 Genomes Project 0.00020.
gnomAD v4.1: 7 of 1,582,442 alleles (0.00044%); highest among the groups gnomAD compares: Admixed American, 0.0018%; no homozygotes.

Submissions (4):

PreventionGenetics, part of Exact Sciences
Classification: Likely pathogenic for RPGRIP1-related condition. Last evaluated: 2025-07-22. Review status: criteria provided, single submitter. Criteria: ACMG Guidelines, 2015. Collection method: clinical testing. Allele origin: germline.
Comment: The RPGRIP1 c.564A>G variant is not predicted to result in an amino acid change (p.=). This variant has been reported in trans with a predicted loss-of-function variant in an individual with Leber congenital amaurosis (patient DGB_032, Soens et al. 2017. PubMed ID: 28714225). This variant is predicted to alter splicing based on available splicing prediction programs (SpliceAI, Jaganathan et al. 2019. PubMed ID: 30661751), and a mini-gene reporter assay confirmed that this variant primarily causes a 28bp deletion (variant #19, Soens et al. 2017. PubMed ID: 28714225). This variant is present in 0.0011% of alleles in individuals of European (Non-Finnish) descent in gnomAD. Given the evidence, we interpret this variant as likely pathogenic.

Labcorp Genetics (formerly Invitae), Labcorp
Classification: Uncertain significance for Leber congenital amaurosis 6; Cone-rod dystrophy 13. Last evaluated: 2021-10-14. Review status: criteria provided, single submitter. Criteria: Invitae Variant Classification Sherloc (09022015). Collection method: clinical testing. Allele origin: germline.
Comment: This sequence change affects codon 188 of the RPGRIP1 mRNA. It is a 'silent' change, meaning that it does not change the encoded amino acid sequence of the RPGRIP1 protein. This variant is present in population databases (rs574462207, ExAC 0.003%). This variant has been observed in individual(s) with Leber congenital amaurosis (PMID: 28714225). In at least one individual the data is consistent with the variant being in trans (on the opposite chromosome) from a pathogenic variant. ClinVar contains an entry for this variant (Variation ID: 427869). Algorithms developed to predict the effect of sequence changes on RNA splicing suggest that this variant may create or strengthen a splice site. In summary, the available evidence is currently insufficient to determine the role of this variant in disease. Therefore, it has been classified as a Variant of Uncertain Significance.

Blueprint Genetics
Classification: Uncertain significance. Last evaluated: 2018-10-23. Review status: criteria provided, single submitter. Criteria: ACMG Guidelines, 2015. Collection method: clinical testing. Allele origin: germline.

Rui Chen Lab, Baylor College of Medicine
Classification: Pathogenic for Leber congenital amaurosis. Last evaluated: 2017-05-09. Review status: no assertion criteria provided. Collection method: research. Allele origin: germline. Affected: yes. Not counted in ClinVar's aggregate classification.
Comment: An in vitrominigene system was used to confirm that the variant disrupts splicing

Literature cited by the submitters: PubMed 28714225 (cited by Labcorp Genetics (formerly Invitae), Labcorp).